The following is an entry in ClinVar:

ClinVar aggregate classification (germline): Uncertain significance (1 of 4 stars; one submission).

Submission:

Labcorp Genetics (formerly Invitae), Labcorp
Classification: Uncertain significance. Last evaluated: 2022-07-26. Review status: criteria provided, single submitter. Criteria: Invitae Variant Classification Sherloc (09022015). Collection method: clinical testing. Allele origin: germline.
Comment: This variant has not been reported in the literature in individuals affected with NYX-related conditions. This sequence change replaces arginine, which is basic and polar, with proline, which is neutral and non-polar, at codon 129 of the NYX protein (p.Arg129Pro). This variant is not present in population databases (gnomAD no frequency). ClinVar contains an entry for this variant (Variation ID: 964388). Algorithms developed to predict the effect of missense changes on protein structure and function (SIFT, PolyPhen-2, Align-GVGD) all suggest that this variant is likely to be disruptive. In summary, the available evidence is currently insufficient to determine the role of this variant in disease. Therefore, it has been classified as a Variant of Uncertain Significance.

NM_001378477.3(NYX):c.371G>C (p.Arg124Pro)

Gene: NYX (nyctalopin; plus strand). Cytogenetic location: Xp11.4.
Variant type: single nucleotide variant.
Coding change: c.371G>C on transcript NM_001378477.3 (MANE Select); coding-DNA position 371, G replaced by C.
Protein change: p.Arg124Pro; replaces arginine 124 with proline.
Molecular consequence: missense variant.
Genome position (GRCh38, 1-based): chrX:41,473,839, G>C. VCF-style: chrX-41473839-G-C. GRCh37 (hg19) VCF-style: chrX-41333092-G-C.
Other names: c.371G>C, p.Arg124Pro (NM_022567.3); short protein forms R129P, R124P.
Identifiers: ClinVar variation 964388 (VCV000964388.9), dbSNP rs758120241, ClinGen allele CA412990031.
Genomic context (GRCh38, chrX:41,473,839, plus strand): 5'-TGCCGCGCCTGGCTGAGCTGCGCCTGGCGCACAACGGCGACCTGCGCTACCTGCACGCGC[G>C]CACCTTCGCGGCGCTCAGCCGCCTGCGCCGCCTAGACCTAGCAGCCTGCCGCCTCTTCAG-3'
Protein context (NP_001365406.2, residues 114-134): HNGDLRYLHA[Arg124Pro]TFAALSRLRR